The following is an entry in ClinVar:

ClinVar aggregate classification (germline): Pathogenic (1 of 4 stars; one submission).

Conditions:
Autosomal recessive limb-girdle muscular dystrophy type 2E (LGMDR4). Also called: MUSCULAR DYSTROPHY, LIMB-GIRDLE, AUTOSOMAL RECESSIVE 4. Identifiers: Orphanet 119, MedGen C1858593, MONDO:0011423, OMIM 604286. Disease mechanism: Affects gamma-sarcoglycan and also disrupts the integrity of the entire sarcoglycan complex..

Submission:

Labcorp Genetics (formerly Invitae), Labcorp
Classification: Pathogenic for Autosomal recessive limb-girdle muscular dystrophy type 2E. Last evaluated: 2023-02-08. Review status: criteria provided, single submitter. Criteria: Invitae Variant Classification Sherloc (09022015). Collection method: clinical testing. Allele origin: germline.
Comment: This variant has not been reported in the literature in individuals affected with SGCB-related conditions. For these reasons, this variant has been classified as Pathogenic. This variant is not present in population databases (gnomAD no frequency). This sequence change creates a premature translational stop signal (p.His187Phefs*16) in the SGCB gene. It is expected to result in an absent or disrupted protein product. Loss-of-function variants in SGCB are known to be pathogenic (PMID: 15938573, 18285821).

Literature cited by the submitters: PubMed 15938573; PubMed 18285821.

NM_000232.5(SGCB):c.558_568del (p.His187fs)

Gene: SGCB (sarcoglycan beta; minus strand). Cytogenetic location: 4q12.
Variant type: Deletion.
Coding change: c.558_568del on transcript NM_000232.5 (MANE Select); coding-DNA positions 558 to 568, 11 bases deleted (TCATGAGTTTC).
Protein change: p.His187fs; shifts the reading frame from histidine 187.
Molecular consequence: frameshift variant.
Genome position (GRCh38, 1-based): chr4:52,028,783-52,028,793, GAAACTCATGA deleted on the plus strand (TCATGAGTTTC on the coding strand, the reverse complement: SGCB is on the minus strand); deleting any 11 consecutive bases within chr4:52,028,783-52,028,794 gives the same sequence; the c. name uses the placement nearest the transcript's 3' end. VCF-style (leftmost placement, unchanged base first): chr4-52028782-TGAAACTCATGA-T. GRCh37 (hg19) VCF-style: chr4-52894948-TGAAACTCATGA-T.
Other names: short protein forms H187fs.
Identifiers: ClinVar variation 2835264 (VCV002835264.3), dbSNP rs2475221626, ClinGen allele CA2739265888.